The following is an entry in ClinVar:

NM_000350.3(ABCA4):c.6206G>A (p.Gly2069Asp)

Gene: ABCA4 (ATP binding cassette subfamily A member 4; minus strand). Cytogenetic location: 1p22.1.
Variant type: single nucleotide variant.
Coding change: c.6206G>A on transcript NM_000350.3 (MANE Select); coding-DNA position 6206, G replaced by A.
Protein change: p.Gly2069Asp; replaces glycine 2069 with aspartic acid.
Molecular consequence: missense variant.
Genome position (GRCh38, 1-based): chr1:94,001,934, C>T on the plus strand (G>A on the coding strand, the complement: ABCA4 is on the minus strand). VCF-style: chr1-94001934-C-T. GRCh37 (hg19) VCF-style: chr1-94467490-C-T.
Other names: c.5984G>A, p.Gly1995Asp (NM_001425324.1); short protein forms G2069D, G1995D.
Identifiers: ClinVar variation 1461858 (VCV001461858.8), dbSNP rs2100995579, ClinGen allele CA341278279.

ClinVar aggregate classification (germline): Uncertain significance (1 of 4 stars; one submission).

Submission:

Labcorp Genetics (formerly Invitae), Labcorp
Classification: Uncertain significance. Last evaluated: 2025-03-17. Review status: criteria provided, single submitter. Criteria: Invitae Variant Classification Sherloc (09022015). Collection method: clinical testing. Allele origin: germline.
Comment: This sequence change replaces glycine, which is neutral and non-polar, with aspartic acid, which is acidic and polar, at codon 2069 of the ABCA4 protein (p.Gly2069Asp). This variant is not present in population databases (gnomAD no frequency). This variant has not been reported in the literature in individuals affected with ABCA4-related conditions. ClinVar contains an entry for this variant (Variation ID: 1461858). Invitae Evidence Modeling of protein sequence and biophysical properties (such as structural, functional, and spatial information, amino acid conservation, physicochemical variation, residue mobility, and thermodynamic stability) indicates that this missense variant is expected to disrupt ABCA4 protein function with a positive predictive value of 95%. In summary, the available evidence is currently insufficient to determine the role of this variant in disease. Therefore, it has been classified as a Variant of Uncertain Significance.